The following is an entry in ClinVar:

ClinVar aggregate classification (germline): Uncertain significance (1 of 4 stars; one submission).

Submission:

Labcorp Genetics (formerly Invitae), Labcorp
Classification: Uncertain significance. Last evaluated: 2024-08-11. Review status: criteria provided, single submitter. Criteria: Invitae Variant Classification Sherloc (09022015). Collection method: clinical testing. Allele origin: germline.
Comment: This sequence change falls in intron 41 of the POLE gene. It does not directly change the encoded amino acid sequence of the POLE protein. It affects a nucleotide within the consensus splice site. This variant is not present in population databases (gnomAD no frequency). This variant has not been reported in the literature in individuals affected with POLE-related conditions. Variants that disrupt the consensus splice site are a relatively common cause of aberrant splicing (PMID: 17576681, 9536098). Algorithms developed to predict the effect of sequence changes on RNA splicing suggest that this variant is not likely to affect RNA splicing. In summary, the available evidence is currently insufficient to determine the role of this variant in disease. Therefore, it has been classified as a Variant of Uncertain Significance.

Literature cited by the submitters: PubMed 17576681; PubMed 9536098.

NM_006231.4(POLE):c.5678+3G>T

Gene: POLE (DNA polymerase epsilon, catalytic subunit; minus strand). Cytogenetic location: 12q24.33.
Variant type: single nucleotide variant.
Coding change: c.5678+3G>T on transcript NM_006231.4 (MANE Select); 3 bases into the intron after coding-DNA position 5678, G replaced by T.
Molecular consequence: intron variant.
Genome position (GRCh38, 1-based): chr12:132,638,011, C>A on the plus strand (G>T on the coding strand, the complement: POLE is on the minus strand). VCF-style: chr12-132638011-C-A. GRCh37 (hg19) VCF-style: chr12-133214597-C-A.
Identifiers: ClinVar variation 3610412 (VCV003610412.2).